The following is an entry in ClinVar:

ClinVar aggregate classification (germline): Uncertain significance. Review status: criteria provided, multiple submitters, no conflicts (2 of 4 stars). 2 submissions from 2 submitters: Uncertain significance (2). Last evaluated 2023-08-22.

Allele frequency attached by ClinVar (database versions not stated): gnomAD exomes 0.00001; TOPMed 0.00001.

Submissions (2):

Blueprint Genetics
Classification: Uncertain significance. Last evaluated: 2023-08-22. Review status: criteria provided, single submitter. Criteria: ACMG Guidelines, 2015. Collection method: clinical testing. Allele origin: germline.

Labcorp Genetics (formerly Invitae), Labcorp
Classification: Uncertain significance. Last evaluated: 2021-07-08. Review status: criteria provided, single submitter. Criteria: Invitae Variant Classification Sherloc (09022015). Collection method: clinical testing. Allele origin: germline.
Comment: In summary, the available evidence is currently insufficient to determine the role of this variant in disease. Therefore, it has been classified as a Variant of Uncertain Significance. Algorithms developed to predict the effect of sequence changes on RNA splicing suggest that this variant may create or strengthen a splice site. Algorithms developed to predict the effect of missense changes on protein structure and function are either unavailable or do not agree on the potential impact of this missense change (SIFT: "Deleterious"; PolyPhen-2: "Not Available"; Align-GVGD: "Class C0"). This variant has not been reported in the literature in individuals affected with PDZD7-related conditions. The frequency data for this variant in the population databases is considered unreliable, as metrics indicate insufficient coverage at this position in the ExAC database. This sequence change replaces valine with glycine at codon 551 of the PDZD7 protein (p.Val551Gly). The valine residue is weakly conserved and there is a moderate physicochemical difference between valine and glycine.

NM_001195263.2(PDZD7):c.1652T>G (p.Val551Gly)

Gene: PDZD7 (PDZ domain containing 7; minus strand). Cytogenetic location: 10q24.31.
Variant type: single nucleotide variant.
Coding change: c.1652T>G on transcript NM_001195263.2 (MANE Select); coding-DNA position 1652, T replaced by G.
Protein change: p.Val551Gly; replaces valine 551 with glycine.
Molecular consequence: missense variant.
Genome position (GRCh38, 1-based): chr10:101,015,733, A>C on the plus strand (T>G on the coding strand, the complement: PDZD7 is on the minus strand). VCF-style: chr10-101015733-A-C. GRCh37 (hg19) VCF-style: chr10-102775490-A-C.
Other names: short protein forms V551G.
Identifiers: ClinVar variation 1423250 (VCV001423250.8), dbSNP rs1564630680, ClinGen allele CA378226976.